The following is an entry in ClinVar:

NM_000258.3(MYL3):c.188G>A (p.Arg63His)

Gene: MYL3 (myosin light chain 3; minus strand). Cytogenetic location: 3p21.31.
Variant type: single nucleotide variant.
Coding change: c.188G>A on transcript NM_000258.3 (MANE Select); coding-DNA position 188, G replaced by A.
Protein change: p.Arg63His; replaces arginine 63 with histidine.
Molecular consequence: missense variant.
Genome position (GRCh38, 1-based): chr3:46,860,795, C>T on the plus strand (G>A on the coding strand, the complement: MYL3 is on the minus strand). VCF-style: chr3-46860795-C-T. GRCh37 (hg19) VCF-style: chr3-46902285-C-T.
Other names: short protein forms R63H.
Identifiers: ClinVar variation 626718 (VCV000626718.19), dbSNP rs139354105, ClinGen allele CA043016.
Genomic context (GRCh38, chr3:46,860,795, plus strand): 5'-AGCGCCCGCAGGACATCCCCACACTGCCCGTAGGTGATCTTCATCTCACACTTGGGTGTG[C>T]GGTCGAACAGCATGAAGGCTTCCTTGAACTCTGCCAGGAGAGGGCAGTGAGCCACAGACA-3'
Protein context (NP_000249.1, residues 53-73): EFKEAFMLFD[Arg63His]TPKCEMKITY

ClinVar aggregate classification (germline): Uncertain significance. Review status: criteria provided, multiple submitters, no conflicts (2 of 4 stars). 6 submissions from 6 submitters: Uncertain significance (6). Last evaluated 2025-12-12.

Conditions:
Cardiomyopathy (CMYO). Also called: Cardiomyopathies. Identifiers: Orphanet 167848, MedGen C0878544, MONDO:0004994, HP:0001638. Inheritance: Various modes of inheritance.
Cardiovascular phenotype. Identifiers: MedGen CN230736.
Hypertrophic cardiomyopathy. Also called: HYPERTROPHIC MYOCARDIOPATHY. Identifiers: Orphanet 217569, MedGen C0007194, MeSH D002312, MONDO:0005045, HP:0001639.

Allele frequency attached by ClinVar (database versions not stated): gnomAD 0.00001; TOPMed 0.00001; ExAC 0.00002; ESP Exome Variant Server 0.00008.

Submissions (6):

Ambry Genetics
Classification: Uncertain significance for Cardiovascular phenotype. Last evaluated: 2025-12-12. Review status: criteria provided, single submitter. Criteria: Ambry Variant Classification Scheme 2023. Collection method: clinical testing. Allele origin: germline.
Comment: The p.R63H variant (also known as c.188G>A), located in coding exon 3 of the MYL3 gene, results from a G to A substitution at nucleotide position 188. The arginine at codon 63 is replaced by histidine, an amino acid with highly similar properties. This variant was reported in individual(s) with features consistent with hypertrophic cardiomyopathy (HCM) (Lopes LR et al. Heart, 2015 Feb;101:294-301; Walsh R et al. Genet Med, 2017 Feb;19:192-203). This amino acid position is highly conserved in available vertebrate species. In addition, the in silico prediction for this alteration is inconclusive. Based on the available evidence, the clinical significance of this variant remains unclear.

Women's Health and Genetics/Laboratory Corporation of America, LabCorp
Classification: Uncertain significance. Last evaluated: 2025-04-18. Review status: criteria provided, single submitter. Criteria: LabCorp Variant Classification Summary - May 2015. Collection method: clinical testing. Allele origin: germline.
Comment: Variant summary: MYL3 c.188G>A (p.Arg63His) results in a non-conservative amino acid change in the encoded protein sequence. Five of five in-silico tools predict a damaging effect of the variant on protein function. The variant allele was found at a frequency of 2.4e-05 in 251466 control chromosomes (gnomAD). The available data on variant occurrences in the general population are insufficient to allow any conclusion about variant significance. c.188G>A has been observed in individuals affected with Hypertrophic Cardiomyopathy (Lopes_2015, Walsh_2017, McGurk_2023). These reports do not provide unequivocal conclusions about association of the variant with Hypertrophic Cardiomyopathy. To our knowledge, no experimental evidence demonstrating an impact on protein function has been reported. The following publications have been ascertained in the context of this evaluation (PMID: 25351510, 37652022, 27532257). ClinVar contains an entry for this variant (Variation ID: 626718). Based on the evidence outlined above, the variant was classified as uncertain significance.

All of Us Research Program, National Institutes of Health
Classification: Uncertain significance for Hypertrophic cardiomyopathy. Last evaluated: 2024-07-29. Review status: criteria provided, single submitter. Criteria: ACMG Guidelines, 2015. Collection method: clinical testing. Allele origin: germline. Inheritance: Autosomal dominant inheritance. Observed: 5 variant alleles, 5 heterozygotes.
Comment: This missense variant replaces arginine with histidine at codon 63 of the MYL3 protein. Computational prediction is inconclusive regarding the impact of this variant on protein structure and function (internally defined REVEL score threshold 0.5 < inconclusive < 0.7, PMID: 27666373). To our knowledge, functional studies have not been reported for this variant. This variant has been reported in an individual affected with hypertrophic cardiomyopathy (PMID: 25351510). This variant has also been identified in 6/251466 chromosomes in the general population by the Genome Aggregation Database (gnomAD). The available evidence is insufficient to determine the role of this variant in disease conclusively. Therefore, this variant is classified as a Variant of Uncertain Significance.

This study involves interpretation of variants in research participants for the purpose of population health screening. Participant phenotype was not available at the time of variant classification. Additional details can be found in publication PMID: 35346344, PMCID: PMC8962531

Color Diagnostics, LLC DBA Color Health
Classification: Uncertain significance for Cardiomyopathy. Last evaluated: 2024-06-25. Review status: criteria provided, single submitter. Criteria: ACMG Guidelines, 2015. Collection method: clinical testing. Allele origin: germline.
Comment: This missense variant replaces arginine with histidine at codon 63 of the MYL3 protein. Computational prediction tools indicate that this variant's impact on protein structure and function is inconclusive. To our knowledge, functional studies have not been reported for this variant. This variant has been reported in individuals affected with hypertrophic cardiomyopathy (PMID: 25351510, 27532257, 38757491). This variant has been identified in 6/251466 chromosomes in the general population by the Genome Aggregation Database (gnomAD). The available evidence is insufficient to determine the role of this variant in disease conclusively. Therefore, this variant is classified as a Variant of Uncertain Significance.

Labcorp Genetics (formerly Invitae), Labcorp
Classification: Uncertain significance for Hypertrophic cardiomyopathy. Last evaluated: 2024-04-17. Review status: criteria provided, single submitter. Criteria: Invitae Variant Classification Sherloc (09022015). Collection method: clinical testing. Allele origin: germline.
Comment: This sequence change replaces arginine, which is basic and polar, with histidine, which is basic and polar, at codon 63 of the MYL3 protein (p.Arg63His). This variant is present in population databases (rs139354105, gnomAD 0.01%). This missense change has been observed in individual(s) with hypertrophic cardiomyopathy (PMID: 25351510). ClinVar contains an entry for this variant (Variation ID: 626718). An algorithm developed to predict the effect of missense changes on protein structure and function (PolyPhen-2) suggests that this variant is likely to be disruptive. In summary, the available evidence is currently insufficient to determine the role of this variant in disease. Therefore, it has been classified as a Variant of Uncertain Significance.

CHEO Genetics Diagnostic Laboratory, Children's Hospital of Eastern Ontario
Classification: Uncertain significance for Cardiomyopathy. Last evaluated: 2015-12-07. Review status: criteria provided, single submitter. Criteria: ACMG Guidelines, 2015. Collection method: clinical testing. Allele origin: germline. Study: Canadian Open Genetics Repository.

Literature cited by the submitters: PubMed 25351510 (cited by 5 submitters); PubMed 27532257 (cited by 3 submitters); PubMed 37652022 (cited by Women's Health and Genetics/Laboratory Corporation of America, LabCorp); PubMed 38757491 (cited by Color Diagnostics, LLC DBA Color Health).